The following is an entry in ClinVar:

NM_004999.4(MYO6):c.2175A>G (p.Lys725=)

Gene: MYO6 (myosin VI; plus strand). Cytogenetic location: 6q14.1.
Variant type: single nucleotide variant.
Coding change: c.2175A>G on transcript NM_004999.4 (MANE Select); coding-DNA position 2175, A replaced by G.
Protein change: p.Lys725=; no amino-acid change (lysine 725 retained).
Molecular consequence: synonymous variant. On other transcripts: non-coding transcript variant (1).
Genome position (GRCh38, 1-based): chr6:75,879,917, A>G. VCF-style: chr6-75879917-A-G. GRCh37 (hg19) VCF-style: chr6-76589634-A-G.
Other names: c.2175A>G, p.Lys725= (NM_001300899.2, NM_001368136.1, NM_001368137.1 and 2 more transcripts); c.2160A>G, p.Lys720= (NM_001368138.1).
Identifiers: ClinVar variation 504642 (VCV000504642.15), dbSNP rs116571790, ClinGen allele CA3897319.
Genomic context (GRCh38, chr6:75,879,917, plus strand): 5'-CCCATCACGAGCTTCATTTCATGAACTCTACAACATGTACAAAAAGTATATGCCAGATAA[A>G]CTTGCAAGATTGGATCCAAGACTATTTTGTAAGGTATAAATGCCACCCAAATTGAAATTT-3'
Protein context (NP_004990.3, residues 715-735): YNMYKKYMPD[Lys725=]LARLDPRLFC

ClinVar aggregate classification (germline): Benign/Likely benign. Review status: criteria provided, multiple submitters, no conflicts (2 of 4 stars). 4 submissions from 4 submitters: Benign (1); Likely benign (3). Last evaluated 2025-02-13.

Allele frequency attached by ClinVar (database versions not stated): gnomAD exomes 0.00009 and 0.00024; ExAC 0.00024; TOPMed 0.00076; 1000 Genomes Project 0.00080; gnomAD 0.00084 and 0.00088; ESP Exome Variant Server 0.00108; 1000 Genomes Project 30x 0.00125.
gnomAD v4.1: 251 of 1,614,116 alleles (0.016%); highest among the groups gnomAD compares: African/African-American, 0.25%; no homozygotes.

Submissions (4):

Labcorp Genetics (formerly Invitae), Labcorp
Classification: Benign. Last evaluated: 2025-02-13. Review status: criteria provided, single submitter. Criteria: Invitae Variant Classification Sherloc (09022015). Collection method: clinical testing. Allele origin: germline.

Blueprint Genetics
Classification: Likely benign. Last evaluated: 2023-01-25. Review status: criteria provided, single submitter. Criteria: ACMG Guidelines, 2015. Collection method: clinical testing. Allele origin: germline.

GeneDx
Classification: Likely benign. Last evaluated: 2021-03-01. Review status: criteria provided, single submitter. Criteria: GeneDx Variant Classification Process June 2021. Collection method: clinical testing. Allele origin: germline. Affected: yes.

Laboratory for Molecular Medicine, Mass General Brigham Personalized Medicine
Classification: Likely benign. Last evaluated: 2012-04-30. Review status: criteria provided, single submitter. Criteria: LMM Criteria. Collection method: clinical testing. Allele origin: germline. Observed: 1 variant allele.
Comment: p.Lys725Lys in Exon 21 of MYO6: This variant is not expected to have clinical si gnificance because it does not alter an amino acid residue, is not located withi n the splice consensus sequence, and has been identified in 0.2% (25/10396) of A frican American chromosomes by the Exome Aggregation Consortium (ExAC; dbSNP rs116571790).